The following is an entry in ClinVar:

NM_024580.6(EFL1):c.2626G>A (p.Ala876Thr)

Gene: EFL1 (elongation factor like GTPase 1; minus strand). Cytogenetic location: 15q25.2.
Variant type: single nucleotide variant.
Coding change: c.2626G>A on transcript NM_024580.6 (MANE Select); coding-DNA position 2626, G replaced by A.
Protein change: p.Ala876Thr; replaces alanine 876 with threonine.
Molecular consequence: missense variant. On other transcripts: non-coding transcript variant (1).
Genome position (GRCh38, 1-based): chr15:82,151,828, C>T on the plus strand (G>A on the coding strand, the complement: EFL1 is on the minus strand). VCF-style: chr15-82151828-C-T. GRCh37 (hg19) VCF-style: chr15-82444169-C-T.
Other names: c.2473G>A, p.Ala825Thr (NM_001040610.3); c.1837G>A, p.Ala613Thr (NM_001322844.2); c.2626G>A, p.Ala876Thr (NM_001322845.2); short protein forms A613T, A825T, A876T.
Identifiers: ClinVar variation 3371490 (VCV003371490.1).

ClinVar aggregate classification (germline): Uncertain significance (1 of 4 stars; one submission).

Submission:

GeneDx
Classification: Uncertain significance. Last evaluated: 2024-03-24. Review status: criteria provided, single submitter. Criteria: GeneDx Variant Classification Process June 2021. Collection method: clinical testing. Allele origin: germline. Affected: yes.
Comment: Not observed at significant frequency in large population cohorts (gnomAD); In silico analysis supports that this missense variant has a deleterious effect on protein structure/function; Has not been previously published as pathogenic or benign to our knowledge